The following is an entry in ClinVar:

ClinVar aggregate classification (germline): Pathogenic. Review status: criteria provided, multiple submitters, no conflicts (2 of 4 stars). 3 submissions from 3 submitters: Pathogenic (3). Last evaluated 2023-10-23.

Conditions:
Early-infantile DEE. Also called: Ohtahara syndrome; Early infantile epileptic encephalopathy; Early infantile epileptic encephalopathy with suppression bursts. Identifiers: Orphanet 1934, MedGen C0393706, MONDO:0800491.
Developmental and epileptic encephalopathy 6B. Also called: Developmental and epileptic encephalopathy 6B, non-Dravet. Identifiers: MedGen C5543353, MONDO:0030268, OMIM 619317.

Submissions (3):

Institute of Medical Genetics and Genomics, Sir Ganga Ram Hospital
Classification: Pathogenic for Developmental and epileptic encephalopathy 6B. Last evaluated: 2023-10-23. Review status: criteria provided, single submitter. Criteria: ACMG Guidelines, 2015. Collection method: clinical testing. Allele origin: de novo. Inheritance: Autosomal dominant inheritance. Affected: yes. Observed: 1 heterozygote.
Comment: This nucleotide change is absent from gnomAD database [PM2]. This variant predicts a frameshift event which leads to terminate the protein downstream. This variant has a clinvar [Variation ID: 280823] entry with a “Pathogenic” interpretation by multiple submitters [PP5]. Parental segregation confirms the “de-novo” origin of this variant [PM6]. To our knowledge there is no published evidence for deleterious nature of this variant.

Labcorp Genetics (formerly Invitae), Labcorp
Classification: Pathogenic for Early-infantile DEE. Last evaluated: 2020-06-08. Review status: criteria provided, single submitter. Criteria: Invitae Variant Classification Sherloc (09022015). Collection method: clinical testing. Allele origin: germline.
Comment: Loss-of-function variants in SCN1A are known to be pathogenic (PMID: 17347258, 18930999). This variant has been observed in individual(s) with epilepsy (PMID: 29778030). ClinVar contains an entry for this variant (Variation ID: 280823). This variant is not present in population databases (ExAC no frequency). This sequence change creates a premature translational stop signal (p.Phe256Leufs*20) in the SCN1A gene. It is expected to result in an absent or disrupted protein product. For these reasons, this variant has been classified as Pathogenic.

GeneDx
Classification: Pathogenic. Last evaluated: 2016-09-06. Review status: criteria provided, single submitter. Criteria: GeneDx Variant Classification (06012015). Collection method: clinical testing. Allele origin: germline. Affected: yes.
Comment: The c.765_766delGT pathogenic variant in the SCN1A gene causes a frameshift starting with codon Phenylalanine 256, changes this amino acid to a Leucine residue and creates a premature Stop codon at position 20 of the new reading frame, denoted p.Phe256LeufsX20. This pathogenic variant is predicted to cause loss of normal protein function either through protein truncation or nonsense-mediated mRNA decay. Additionally, the c.765_766delGT variant was not observed in approximately 6,500 individuals of European and African American ancestry in the NHLBI Exome Sequencing Project, indicating it is not a common benign variant in these populations. Although this variant has not been previously reported to our knowledge, other frameshift variants have been reported in the SCN1A gene in association with SCN1A-related disorders (Stenson et al., 2014).

Literature cited by the submitters: PubMed 17347258 (cited by Labcorp Genetics (formerly Invitae), Labcorp); PubMed 18930999 (cited by Labcorp Genetics (formerly Invitae), Labcorp); PubMed 29778030 (cited by Labcorp Genetics (formerly Invitae), Labcorp).

NM_001165963.4(SCN1A):c.765_766del (p.Phe256fs)

Gene: SCN1A (sodium voltage-gated channel alpha subunit 1; minus strand). Cytogenetic location: 2q24.3.
Variant type: Microsatellite.
Coding change: c.765_766del on transcript NM_001165963.4 (MANE Select); coding-DNA positions 765 to 766, 2 bases deleted (GT; older notation c.765_766delGT).
Protein change: p.Phe256fs; shifts the reading frame from phenylalanine 256.
Molecular consequence: frameshift variant. On other transcripts: 5 prime UTR variant (1), non-coding transcript variant (1).
Genome position (GRCh38, 1-based): chr2:166,051,917-166,051,918, AC deleted on the plus strand (GT on the coding strand, the reverse complement: SCN1A is on the minus strand); deleting any 2 consecutive bases within chr2:166,051,917-166,051,921 gives the same sequence; the c. name uses the placement nearest the transcript's 3' end. VCF-style (leftmost placement, unchanged base first): chr2-166051916-AAC-A. GRCh37 (hg19) VCF-style: chr2-166908426-AAC-A.
Other names: c.765_766del, p.Phe256fs (NM_001353954.2, NM_001353955.2, NM_001353957.2 and 10 more transcripts); c.-1663GT[1] (NM_001353961.2); c.765_766delGT (NM_001165963.4); short protein forms F256fs.
Identifiers: ClinVar variation 280823 (VCV000280823.11), dbSNP rs886041961, ClinGen allele CA10602828.
Genomic context (GRCh38, chr2:166,051,916, plus strand): 5'-TTATTCCTCAGGTTGCCCATGAACAGCTGCAGCCCAATTAGAGCAAATACGCTCAGACAG[AAC>A]ACAGTCAGGATCATTACATCTGAGAGCTTCTTCACAGACTGGATCAGGGCTCCCACAATG-3'